The following is an entry in ClinVar:

NM_017636.4(TRPM4):c.1373T>G (p.Met458Arg)

Gene: TRPM4 (transient receptor potential cation channel subfamily M member 4; plus strand). Cytogenetic location: 19q13.33.
Variant type: single nucleotide variant.
Coding change: c.1373T>G on transcript NM_017636.4 (MANE Select); coding-DNA position 1373, T replaced by G.
Protein change: p.Met458Arg; replaces methionine 458 with arginine.
Molecular consequence: missense variant. On other transcripts: 5 prime UTR variant (1).
Genome position (GRCh38, 1-based): chr19:49,182,687, T>G. VCF-style: chr19-49182687-T-G. GRCh37 (hg19) VCF-style: chr19-49685944-T-G.
Other names: c.1373T>G, p.Met458Arg (NM_001195227.2); c.1028T>G, p.Met343Arg (NM_001321281.2); c.-181T>G (NM_001321282.2); c.851T>G, p.Met284Arg (NM_001321283.2); c.311T>G, p.Met104Arg (NM_001321285.2); short protein forms M104R, M343R, M284R, M458R.
Identifiers: ClinVar variation 4752030 (VCV004752030.1).

ClinVar aggregate classification (germline): Uncertain significance (1 of 4 stars; one submission).

Conditions:
Progressive familial heart block type IB (PFHB1B). Identifiers: Orphanet 871, MedGen C1970298, MONDO:0011474, OMIM 604559.

Submission:

Labcorp Genetics (formerly Invitae), Labcorp
Classification: Uncertain significance for Progressive familial heart block type IB. Last evaluated: 2025-05-17. Review status: criteria provided, single submitter. Criteria: Invitae Variant Classification Sherloc (09022015). Collection method: clinical testing. Allele origin: germline.
Comment: This sequence change replaces methionine, which is neutral and non-polar, with arginine, which is basic and polar, at codon 458 of the TRPM4 protein (p.Met458Arg). This variant is not present in population databases (gnomAD no frequency). This variant has not been reported in the literature in individuals affected with TRPM4-related conditions. An algorithm developed to predict the effect of missense changes on protein structure and function (PolyPhen-2) suggests that this variant is likely to be tolerated. In summary, the available evidence is currently insufficient to determine the role of this variant in disease. Therefore, it has been classified as a Variant of Uncertain Significance.